The following is an entry in ClinVar:

NM_201253.3(CRB1):c.833T>C (p.Val278Ala)

Gene: CRB1 (crumbs cell polarity complex component 1; plus strand). Cytogenetic location: 1q31.3.
Variant type: single nucleotide variant.
Coding change: c.833T>C on transcript NM_201253.3 (MANE Select); coding-DNA position 833, T replaced by C.
Protein change: p.Val278Ala; replaces valine 278 with alanine.
Molecular consequence: missense variant. On other transcripts: non-coding transcript variant (2), intron variant (1).
Genome position (GRCh38, 1-based): chr1:197,344,461, T>C. VCF-style: chr1-197344461-T-C. GRCh37 (hg19) VCF-style: chr1-197313591-T-C.
Other names: c.626T>C, p.Val209Ala (NM_001257965.2); c.833T>C, p.Val278Ala (NM_001257966.2); c.653-12370T>C (NM_001193640.2); short protein forms V278A, V209A.
Identifiers: ClinVar variation 1958643 (VCV001958643.5), dbSNP rs140214293, ClinGen allele CA1311714.

ClinVar aggregate classification (germline): Uncertain significance. Review status: criteria provided, multiple submitters, no conflicts (2 of 4 stars). 3 submissions from 3 submitters: Uncertain significance (3). Last evaluated 2024-12-03.

Conditions:
Retinitis pigmentosa 12 (RP12). Also called: RP WITH OR WITHOUT PPRPE; RP WITH OR WITHOUT PRESERVED PARAARTERIOLE RETINAL PIGMENT EPITHELIUM; RETINITIS PIGMENTOSA WITH OR WITHOUT PARAARTERIOLAR PRESERVATION OF RETINAL PIGMENT EPITHELIUM. Identifiers: Orphanet 791, MedGen C1838647, MONDO:0010818, OMIM 600105.
Leber congenital amaurosis 8 (LCA8). Identifiers: Orphanet 65, MedGen C3151202, MONDO:0013453, OMIM 613835.

Allele frequency attached by ClinVar (database versions not stated): gnomAD exomes 0.00002; ExAC 0.00004; ESP Exome Variant Server 0.00008; gnomAD 0.00013; 1000 Genomes Project 30x 0.00016; TOPMed 0.00016; 1000 Genomes Project 0.00020.
gnomAD v4.1: 50 of 1,614,112 alleles (0.0031%); highest among the groups gnomAD compares: African/African-American, 0.052%; no homozygotes.

Submissions (3):

Dasa
Classification: Uncertain significance. Last evaluated: 2024-12-03. Review status: criteria provided, single submitter. Criteria: DASA Assertion Criteria. Collection method: clinical testing. Allele origin: germline.
Comment: NM_201253.3(CRB1):c.833T>C (p.Val278Ala) is a missense variant that results in the substitution of valine with alanine. This variant is rare in population databases. Computational prediction algorithms are consistent with a benign effect. The currently available literature and clinical evidence are not sufficient to establish a definitive association between this variant and the reported condition. Therefore, this variant is classified as a variant of uncertain significance.

Blueprint Genetics
Classification: Uncertain significance. Last evaluated: 2023-09-14. Review status: criteria provided, single submitter. Criteria: ACMG Guidelines, 2015. Collection method: clinical testing. Allele origin: germline.

Labcorp Genetics (formerly Invitae), Labcorp
Classification: Uncertain significance for Leber congenital amaurosis 8; Retinitis pigmentosa 12. Last evaluated: 2022-06-26. Review status: criteria provided, single submitter. Criteria: Invitae Variant Classification Sherloc (09022015). Collection method: clinical testing. Allele origin: germline.
Comment: This sequence change replaces valine, which is neutral and non-polar, with alanine, which is neutral and non-polar, at codon 278 of the CRB1 protein (p.Val278Ala). This variant is present in population databases (rs140214293, gnomAD 0.04%). This variant has not been reported in the literature in individuals affected with CRB1-related conditions. Advanced modeling of protein sequence and biophysical properties (such as structural, functional, and spatial information, amino acid conservation, physicochemical variation, residue mobility, and thermodynamic stability) performed at Invitae indicates that this missense variant is not expected to disrupt CRB1 protein function. In summary, the available evidence is currently insufficient to determine the role of this variant in disease. Therefore, it has been classified as a Variant of Uncertain Significance.